The following is an entry in ClinVar:

ClinVar aggregate classification (germline): Uncertain significance (1 of 4 stars; one submission).

Submission:

Labcorp Genetics (formerly Invitae), Labcorp
Classification: Uncertain significance. Last evaluated: 2025-03-06. Review status: criteria provided, single submitter. Criteria: Invitae Variant Classification Sherloc (09022015). Collection method: clinical testing. Allele origin: germline.
Comment: This sequence change replaces lysine, which is basic and polar, with arginine, which is basic and polar, at codon 231 of the TFRC protein (p.Lys231Arg). This variant is not present in population databases (gnomAD no frequency). This variant has not been reported in the literature in individuals affected with TFRC-related conditions. Invitae Evidence Modeling of protein sequence and biophysical properties (such as structural, functional, and spatial information, amino acid conservation, physicochemical variation, residue mobility, and thermodynamic stability) indicates that this missense variant is not expected to disrupt TFRC protein function with a negative predictive value of 80%. Algorithms developed to predict the effect of sequence changes on RNA splicing suggest that this variant may create or strengthen a splice site. In summary, the available evidence is currently insufficient to determine the role of this variant in disease. Therefore, it has been classified as a Variant of Uncertain Significance.

NM_001128148.3(TFRC):c.692A>G (p.Lys231Arg)

Gene: TFRC (transferrin receptor; minus strand). Cytogenetic location: 3q29.
Variant type: single nucleotide variant.
Coding change: c.692A>G on transcript NM_001128148.3 (MANE Select); coding-DNA position 692, A replaced by G.
Protein change: p.Lys231Arg; replaces lysine 231 with arginine.
Molecular consequence: missense variant. On other transcripts: 5 prime UTR variant (1).
Genome position (GRCh38, 1-based): chr3:196,069,564, T>C on the plus strand (A>G on the coding strand, the complement: TFRC is on the minus strand). VCF-style: chr3-196069564-T-C. GRCh37 (hg19) VCF-style: chr3-195796435-T-C.
Other names: c.449A>G, p.Lys150Arg (NM_001313965.2); c.-155A>G (NM_001313966.2); c.692A>G, p.Lys231Arg (NM_003234.4); short protein forms K231R, K150R.
Identifiers: ClinVar variation 4773876 (VCV004773876.1).
Genomic context (GRCh38, chr3:196,069,564, plus strand): 5'-TTCACAGGAGTGTATAAATCCTCAAAATCTTTTTTAGTACCAAAATTAGCATGGACCAGT[T>C]TACCCTAGAACAAAGACATTAGATTTAATGAGCATTATGGTATCGGAACAGCTCTAAAAT-3'
Protein context (NP_001121620.1, residues 221-241): AYSKAATVTG[Lys231Arg]LVHANFGTKK